The following is an entry in ClinVar:

ClinVar aggregate classification (germline): Pathogenic (1 of 4 stars; one submission).

Submission:

Labcorp Genetics (formerly Invitae), Labcorp
Classification: Pathogenic. Last evaluated: 2025-01-15. Review status: criteria provided, single submitter. Criteria: Invitae Variant Classification Sherloc (09022015). Collection method: clinical testing. Allele origin: germline.
Comment: This sequence change affects a donor splice site in intron 3 of the SLC4A1 gene. It is expected to disrupt RNA splicing. Variants that disrupt the donor or acceptor splice site typically lead to a loss of protein function (PMID: 16199547), and loss-of-function variants in SLC4A1 are known to be pathogenic (PMID: 8943874, 10926824, 23255290). This variant is not present in population databases (gnomAD no frequency). Disruption of this splice site has been observed in individual(s) with hereditary spherocytosis (PMID: 23255290). Studies have shown that disruption of this splice site alters SLC4A1 gene expression (PMID: 23255290). Algorithms developed to predict the effect of sequence changes on RNA splicing suggest that this variant may disrupt the consensus splice site. For these reasons, this variant has been classified as Pathogenic.

Literature cited by the submitters: PubMed 16199547; PubMed 8943874; PubMed 10926824; PubMed 23255290.

NM_000342.4(SLC4A1):c.106+2T>A

Gene: SLC4A1 (solute carrier family 4 member 1 (Diego blood group); minus strand). Cytogenetic location: 17q21.31.
Variant type: single nucleotide variant.
Coding change: c.106+2T>A on transcript NM_000342.4 (MANE Select); the canonical splice donor site of the intron after coding-DNA position 106, T replaced by A.
Molecular consequence: splice donor variant.
Genome position (GRCh38, 1-based): chr17:44,262,634, A>T on the plus strand (T>A on the coding strand, the complement: SLC4A1 is on the minus strand). VCF-style: chr17-44262634-A-T. GRCh37 (hg19) VCF-style: chr17-42340002-A-T.
Identifiers: ClinVar variation 3661122 (VCV003661122.2).